The following is an entry in ClinVar:

NM_017617.5(NOTCH1):c.4296C>T (p.Phe1432=)

Gene: NOTCH1 (notch receptor 1; minus strand). Cytogenetic location: 9q34.3.
Variant type: single nucleotide variant.
Coding change: c.4296C>T on transcript NM_017617.5 (MANE Select); coding-DNA position 4296, C replaced by T.
Protein change: p.Phe1432=; no amino-acid change (phenylalanine 1432 retained).
Molecular consequence: synonymous variant.
Genome position (GRCh38, 1-based): chr9:136,505,600, G>A on the plus strand (C>T on the coding strand, the complement: NOTCH1 is on the minus strand). VCF-style: chr9-136505600-G-A. GRCh37 (hg19) VCF-style: chr9-139400052-G-A.
Other names: p.Phe1432=; c.4296C>T, p.Phe1432= (LRG_1122t1).
Identifiers: ClinVar variation 509430 (VCV000509430.42), dbSNP rs774697636, ClinGen allele CA5340653.

ClinVar aggregate classification (germline): Likely benign. Review status: criteria provided, multiple submitters, no conflicts (2 of 4 stars). 9 submissions from 8 submitters: Likely benign (9). Last evaluated 2026-06-01.

Conditions:
Familial thoracic aortic aneurysm and aortic dissection (TAAD). Also called: Thoracic aortic aneurysms and dissections. Identifiers: Orphanet 91387, MedGen C4707243, MONDO:0019625.
Aortic valve disease 1 (AOVD1). Identifiers: MedGen C3887892, MONDO:0024523, OMIM 109730.
Adams-Oliver syndrome 5 (AOS5). Identifiers: Orphanet 974, MedGen C4014970, MONDO:0014459, OMIM 616028.

Allele frequency attached by ClinVar (database versions not stated): gnomAD exomes 0.00002; TOPMed 0.00006; gnomAD 0.00008 and 0.00009; ExAC 0.00002.
gnomAD v4.1: 111 of 1,610,912 alleles (0.0069%); highest among the groups gnomAD compares: African/African-American, 0.017%; no homozygotes.

Submissions (9):

CeGaT Center for Human Genetics Tuebingen
Classification: Likely benign. Last evaluated: 2026-06-01. Review status: criteria provided, single submitter. Criteria: CeGaT Center For Human Genetics Tuebingen Variant Classification Criteria Version 2. Collection method: clinical testing. Allele origin: germline. Affected: yes. Observed: 2 variant alleles.
Comment: NOTCH1: BP4, BP7

Labcorp Genetics (formerly Invitae), Labcorp
Classification: Likely benign for Adams-Oliver syndrome 5. Last evaluated: 2025-11-22. Review status: criteria provided, single submitter. Criteria: Invitae Variant Classification Sherloc (09022015). Collection method: clinical testing. Allele origin: germline.

Mayo Clinic Laboratories, Mayo Clinic
Classification: Likely benign. Last evaluated: 2025-03-17. Review status: criteria provided, single submitter. Criteria: ACMG Guidelines, 2015. Collection method: clinical testing. Allele origin: germline. Observed: 1 variant allele.
Comment: BP4, BP7

Ambry Genetics
Classification: Likely benign for Familial thoracic aortic aneurysm and aortic dissection. Last evaluated: 2022-05-30. Review status: criteria provided, single submitter. Criteria: Ambry Variant Classification Scheme 2023. Collection method: clinical testing. Allele origin: germline.

Genome-Nilou Lab
Classification: Likely benign for Adams-Oliver syndrome 5. Last evaluated: 2022-03-15. Review status: criteria provided, single submitter. Criteria: ACMG Guidelines, 2015. Collection method: clinical testing. Allele origin: germline. Affected: no.

Genome-Nilou Lab
Classification: Likely benign for Aortic valve disease 1. Last evaluated: 2022-03-15. Review status: criteria provided, single submitter. Criteria: ACMG Guidelines, 2015. Collection method: clinical testing. Allele origin: germline. Affected: no.

Blueprint Genetics
Classification: Likely benign. Last evaluated: 2022-01-11. Review status: criteria provided, single submitter. Criteria: ACMG Guidelines, 2015. Collection method: clinical testing. Allele origin: germline.

GeneDx
Classification: Likely benign. Last evaluated: 2018-09-21. Review status: criteria provided, single submitter. Criteria: GeneDx Variant Classification Process June 2021. Collection method: clinical testing. Allele origin: germline. Affected: yes.

Breakthrough Genomics
Classification: Likely benign. Review status: criteria provided, single submitter. Criteria: ACMG Guidelines, 2015. Collection method: not provided. Allele origin: germline. Inheritance: Autosomal dominant inheritance. Affected: yes.